The following is an entry in ClinVar:

NM_004371.4(COPA):c.2822G>A (p.Arg941Gln)

Gene: COPA (coat protein complex I subunit alpha; minus strand). Cytogenetic location: 1q23.2.
Variant type: single nucleotide variant.
Coding change: c.2822G>A on transcript NM_004371.4 (MANE Select); coding-DNA position 2822, G replaced by A.
Protein change: p.Arg941Gln; replaces arginine 941 with glutamine.
Molecular consequence: missense variant.
Genome position (GRCh38, 1-based): chr1:160,293,167, C>T on the plus strand (G>A on the coding strand, the complement: COPA is on the minus strand). VCF-style: chr1-160293167-C-T. GRCh37 (hg19) VCF-style: chr1-160262957-C-T.
Other names: c.2849G>A, p.Arg950Gln (NM_001098398.2); short protein forms R941Q, R950Q.
Identifiers: ClinVar variation 1020294 (VCV001020294.11), dbSNP rs368690601, ClinGen allele CA1197768.
Genomic context (GRCh38, chr1:160,293,167, plus strand): 5'-ACCATCTCCCGGGGACCCTGGGCTAGGCACACTCAAGAGGAAAAGCCAAGGTTACTTACC[C>T]GCATGGCTGTTTCGAAAGAGCCTGCCAGGATGTGATCAACTGGAAGCTGAGAGTTATTAC-3'
Protein context (NP_004362.2, residues 931-951): ILAGSFETAM[Arg941Gln]LLHDQVGVIQ

ClinVar aggregate classification (germline): Conflicting classifications of pathogenicity. Review status: criteria provided, conflicting classifications (1 of 4 stars). 5 submissions from 5 submitters: Uncertain significance (3); Likely benign (2). Last evaluated 2026-02-01.

Conditions:
Autoimmune interstitial lung disease-arthritis syndrome. Also called: Autoinflammation and autoimmunity, systemic, with immune dysregulation. Identifiers: Orphanet 444092, MedGen C5975714, MONDO:0014629.

Allele frequency attached by ClinVar (database versions not stated): ESP Exome Variant Server 0.00008; gnomAD exomes 0.00013 and 0.00015; TOPMed 0.00014; ExAC 0.00015; gnomAD 0.00023 and 0.00024; 1000 Genomes Project 30x 0.00062; 1000 Genomes Project 0.00080.
gnomAD v4.1: 248 of 1,614,134 alleles (0.015%); highest among the groups gnomAD compares: South Asian, 0.02%; no homozygotes.

Submissions (5):

Labcorp Genetics (formerly Invitae), Labcorp
Classification: Uncertain significance for Autoimmune interstitial lung disease-arthritis syndrome. Last evaluated: 2026-02-01. Review status: criteria provided, single submitter. Criteria: Invitae Variant Classification Sherloc (09022015). Collection method: clinical testing. Allele origin: germline.
Comment: This sequence change replaces arginine, which is basic and polar, with glutamine, which is neutral and polar, at codon 941 of the COPA protein (p.Arg941Gln). This variant is present in population databases (rs368690601, gnomAD 0.03%). This missense change has been observed in individual(s) with clinical features of autoimmune interstitial lung (PMID: 35753512). ClinVar contains an entry for this variant (Variation ID: 1020294). An algorithm developed to predict the effect of missense changes on protein structure and function (PolyPhen-2) suggests that this variant is likely to be tolerated. In summary, the available evidence is currently insufficient to determine the role of this variant in disease. Therefore, it has been classified as a Variant of Uncertain Significance.

Laboratory of Genetics, Children's Clinical University Hospital Latvia
Classification: Likely benign. Last evaluated: 2025-02-16. Review status: criteria provided, single submitter. Criteria: ACMG Guidelines, 2015. Collection method: clinical testing. Allele origin: germline. Affected: yes.

Blueprint Genetics
Classification: Likely benign. Last evaluated: 2024-11-22. Review status: criteria provided, single submitter. Criteria: ACMG Guidelines, 2015. Collection method: clinical testing. Allele origin: germline.

Fulgent Genetics
Classification: Uncertain significance for Autoinflammation and autoimmunity with immune dysregulation 1. Last evaluated: 2021-12-01. Review status: criteria provided, single submitter. Criteria: ACMG Guidelines, 2015. Collection method: clinical testing. Allele origin: unknown.

Breakthrough Genomics
Classification: Uncertain significance. Review status: criteria provided, single submitter. Criteria: ACMG Guidelines, 2015. Collection method: not provided. Allele origin: germline. Inheritance: Autosomal dominant inheritance. Affected: yes.

Literature cited by the submitters: PubMed 35753512 (cited by Labcorp Genetics (formerly Invitae), Labcorp).